The following is an entry in ClinVar:

ClinVar aggregate classification (germline): Uncertain significance (1 of 4 stars; one submission).

gnomAD v4.1: 4 of 1,614,224 alleles (0.00025%); highest among the groups gnomAD compares: Non-Finnish European, 0.00034%; no homozygotes.

Submission:

Ambry Genetics
Classification: Uncertain significance. Last evaluated: 2026-03-14. Review status: criteria provided, single submitter. Criteria: Ambry Variant Classification Scheme 2023. Collection method: clinical testing. Allele origin: germline.
Comment: The p.A1085S variant (also known as c.3253G>T), located in coding exon 12 of the CDK12 gene, results from a G to T substitution at nucleotide position 3253. The alanine at codon 1085 is replaced by serine, an amino acid with similar properties. This amino acid position is conserved. In addition, this alteration is predicted to be tolerated by in silico analysis. Based on the available evidence, the clinical significance of this variant remains unclear.

NM_016507.4(CDK12):c.3253G>T (p.Ala1085Ser)

Gene: CDK12 (cyclin dependent kinase 12; plus strand). Cytogenetic location: 17q12.
Variant type: single nucleotide variant.
Coding change: c.3253G>T on transcript NM_016507.4 (MANE Select); coding-DNA position 3253, G replaced by T.
Protein change: p.Ala1085Ser; replaces alanine 1085 with serine.
Molecular consequence: missense variant.
Genome position (GRCh38, 1-based): chr17:39,524,831, G>T. VCF-style: chr17-39524831-G-T. GRCh37 (hg19) VCF-style: chr17-37681084-G-T.
Other names: c.3253G>T, p.Ala1085Ser (NM_015083.4); short protein forms A1085S.
Identifiers: ClinVar variation 4825968 (VCV004825968.1).